The following is an entry in ClinVar:

ClinVar aggregate classification (germline): Uncertain significance (1 of 4 stars; one submission).

Conditions:
Cone-rod dystrophy 13 (CORD13). Identifiers: Orphanet 1872, MedGen C2750720, MONDO:0011987, OMIM 608194.
Leber congenital amaurosis 6 (LCA6). Identifiers: Orphanet 65, MedGen C1854260, MONDO:0013446, OMIM 613826.

Allele frequency attached by ClinVar (database versions not stated): gnomAD exomes below 0.00001; gnomAD 0.00001; ExAC 0.00002; 1000 Genomes Project 30x 0.00016; 1000 Genomes Project 0.00020.
gnomAD v4.1: 5 of 1,614,060 alleles (0.00031%); highest among the groups gnomAD compares: East Asian, 0.011%; no homozygotes.

Submission:

Labcorp Genetics (formerly Invitae), Labcorp
Classification: Uncertain significance for Leber congenital amaurosis 6; Cone-rod dystrophy 13. Last evaluated: 2022-02-20. Review status: criteria provided, single submitter. Criteria: Invitae Variant Classification Sherloc (09022015). Collection method: clinical testing. Allele origin: germline.
Comment: This sequence change replaces serine, which is neutral and polar, with phenylalanine, which is neutral and non-polar, at codon 657 of the RPGRIP1 protein (p.Ser657Phe). This variant is present in population databases (rs564462751, gnomAD 0.006%). This variant has not been reported in the literature in individuals affected with RPGRIP1-related conditions. Algorithms developed to predict the effect of missense changes on protein structure and function (SIFT, PolyPhen-2, Align-GVGD) all suggest that this variant is likely to be tolerated. In summary, the available evidence is currently insufficient to determine the role of this variant in disease. Therefore, it has been classified as a Variant of Uncertain Significance.

NM_020366.4(RPGRIP1):c.1970C>T (p.Ser657Phe)

Gene: RPGRIP1 (RPGR interacting protein 1; plus strand). Cytogenetic location: 14q11.2.
Variant type: single nucleotide variant.
Coding change: c.1970C>T on transcript NM_020366.4 (MANE Select); coding-DNA position 1970, C replaced by T.
Protein change: p.Ser657Phe; replaces serine 657 with phenylalanine.
Molecular consequence: missense variant. On other transcripts: intron variant (4).
Genome position (GRCh38, 1-based): chr14:21,324,825, C>T. VCF-style: chr14-21324825-C-T. GRCh37 (hg19) VCF-style: chr14-21792984-C-T.
Other names: c.896C>T, p.Ser299Phe (NM_001377948.1); c.796+100C>T (NM_001377949.1); c.689-2798C>T (NM_001377523.1, NM_001377950.1); c.191-2798C>T (NM_001377951.1); short protein forms S299F, S657F.
Identifiers: ClinVar variation 2076900 (VCV002076900.1), dbSNP rs564462751, ClinGen allele CA7089132.